The following is an entry in ClinVar:

NM_020937.4(FANCM):c.3847A>G (p.Arg1283Gly)

Gene: FANCM (FA complementation group M; plus strand). Cytogenetic location: 14q21.2.
Variant type: single nucleotide variant.
Coding change: c.3847A>G on transcript NM_020937.4 (MANE Select); coding-DNA position 3847, A replaced by G.
Protein change: p.Arg1283Gly; replaces arginine 1283 with glycine.
Molecular consequence: missense variant.
Genome position (GRCh38, 1-based): chr14:45,176,601, A>G. VCF-style: chr14-45176601-A-G. GRCh37 (hg19) VCF-style: chr14-45645804-A-G.
Other names: c.3769A>G, p.Arg1257Gly (NM_001308133.2); short protein forms R1283G, R1257G.
Identifiers: ClinVar variation 3848688 (VCV003848688.1).

ClinVar aggregate classification (germline): Uncertain significance (1 of 4 stars; one submission).

Conditions:
Inborn genetic diseases. Identifiers: MedGen C0950123, MeSH D030342.

gnomAD v4.1: 3 of 1,610,190 alleles (0.00019%); highest among the groups gnomAD compares: South Asian, 0.0022%; no homozygotes.

Submission:

Ambry Genetics
Classification: Uncertain significance for Inborn genetic diseases. Last evaluated: 2025-02-03. Review status: criteria provided, single submitter. Criteria: Ambry Variant Classification Scheme 2023. Collection method: clinical testing. Allele origin: germline.
Comment: The p.R1283G variant (also known as c.3847A>G), located in coding exon 14 of the FANCM gene, results from an A to G substitution at nucleotide position 3847. The arginine at codon 1283 is replaced by glycine, an amino acid with dissimilar properties. This amino acid position is conserved. In addition, this alteration is predicted to be tolerated by in silico analysis. Based on the available evidence, the clinical significance of this variant remains unclear.